The following is an entry in ClinVar:

ClinVar aggregate classification (germline): Uncertain significance. Review status: criteria provided, multiple submitters, no conflicts (2 of 4 stars). 2 submissions from 2 submitters: Uncertain significance (2). Last evaluated 2023-12-07.

Conditions:
Hereditary cancer-predisposing syndrome. Also called: Tumor predisposition; Hereditary Cancer Syndrome; Hereditary neoplastic syndrome; Neoplastic Syndromes, Hereditary. Identifiers: Orphanet 140162, MedGen C0027672, MeSH D009386, MONDO:0015356.
Bloom syndrome (BLM). Also called: Bloom-Torre-Machacek syndrome. Identifiers: Orphanet 125, MedGen C0005859, MONDO:0008876, OMIM 210900.

gnomAD v4.1: 6 of 1,611,452 alleles (0.00037%); highest among the groups gnomAD compares: Non-Finnish European, 0.00034%; no homozygotes.

Submissions (2):

Labcorp Genetics (formerly Invitae), Labcorp
Classification: Uncertain significance for Bloom syndrome. Last evaluated: 2023-12-07. Review status: criteria provided, single submitter. Criteria: Invitae Variant Classification Sherloc (09022015). Collection method: clinical testing. Allele origin: germline.
Comment: This sequence change replaces proline, which is neutral and non-polar, with serine, which is neutral and polar, at codon 173 of the BLM protein (p.Pro173Ser). This variant is present in population databases (no rsID available, gnomAD 0.007%). This variant has not been reported in the literature in individuals affected with BLM-related conditions. Algorithms developed to predict the effect of missense changes on protein structure and function output the following: SIFT: "Not Available"; PolyPhen-2: "Benign"; Align-GVGD: "Not Available". The serine amino acid residue is found in multiple mammalian species, which suggests that this missense change does not adversely affect protein function. In summary, the available evidence is currently insufficient to determine the role of this variant in disease. Therefore, it has been classified as a Variant of Uncertain Significance.

Ambry Genetics
Classification: Uncertain significance for Hereditary cancer-predisposing syndrome. Last evaluated: 2023-08-07. Review status: criteria provided, single submitter. Criteria: Ambry Variant Classification Scheme 2023. Collection method: clinical testing. Allele origin: germline.
Comment: The p.P173S variant (also known as c.517C>T), located in coding exon 2 of the BLM gene, results from a C to T substitution at nucleotide position 517. The proline at codon 173 is replaced by serine, an amino acid with similar properties. This amino acid position is not well conserved in available vertebrate species. In addition, this alteration is predicted to be tolerated by in silico analysis. Since supporting evidence is limited at this time, the clinical significance of this alteration remains unclear.

NM_000057.4(BLM):c.517C>T (p.Pro173Ser)

Gene: BLM (BLM RecQ like helicase; plus strand). Cytogenetic location: 15q26.1.
Variant type: single nucleotide variant.
Coding change: c.517C>T on transcript NM_000057.4 (MANE Select); coding-DNA position 517, C replaced by T.
Protein change: p.Pro173Ser; replaces proline 173 with serine.
Molecular consequence: missense variant. On other transcripts: 5 prime UTR variant (1).
Genome position (GRCh38, 1-based): chr15:90,749,785, C>T. VCF-style: chr15-90749785-C-T. GRCh37 (hg19) VCF-style: chr15-91293015-C-T.
Other names: c.517C>T, p.Pro173Ser (NM_001287246.2, NM_001287247.2); c.-775C>T (NM_001287248.2); short protein forms P173S.
Identifiers: ClinVar variation 2603712 (VCV002603712.5), dbSNP rs1458936595, ClinGen allele CA393840959.
Genomic context (GRCh38, chr15:90,749,785, plus strand): 5'-GATTGGGATGATATGGATGACTTTGATACTTCTGAGACTTCAAAATCATTTGTTACACCA[C>T]CCCAAAGTCACTTTGTAAGAGTAAGCACTGCTCAGAAATCAAAAAAGGGTAAGAGAAACT-3'
Protein context (NP_000048.1, residues 163-183): SETSKSFVTP[Pro173Ser]QSHFVRVSTA